The following is an entry in ClinVar:

NM_004722.4(AP4M1):c.1075G>A (p.Gly359Arg)

Gene: AP4M1 (adaptor related protein complex 4 subunit mu 1; plus strand). Cytogenetic location: 7q22.1.
Variant type: single nucleotide variant.
Coding change: c.1075G>A on transcript NM_004722.4 (MANE Select); coding-DNA position 1075, G replaced by A.
Protein change: p.Gly359Arg; replaces glycine 359 with arginine.
Molecular consequence: missense variant.
Genome position (GRCh38, 1-based): chr7:100,106,452, G>A. VCF-style: chr7-100106452-G-A. GRCh37 (hg19) VCF-style: chr7-99704075-G-A.
Other names: c.1096G>A, p.Gly366Arg (NM_001363671.2); short protein forms G366R, G359R.
Identifiers: ClinVar variation 1961850 (VCV001961850.5), dbSNP rs1256382742, ClinGen allele CA368475229.

ClinVar aggregate classification (germline): Uncertain significance (1 of 4 stars; one submission).

Conditions:
Hereditary spastic paraplegia 50 (SPG50). Also called: Spastic paraplegia 50, autosomal recessive. Identifiers: Orphanet 280763, MedGen C2752008, MONDO:0013048, OMIM 612936.

Allele frequency attached by ClinVar (database versions not stated): gnomAD exomes below 0.00001.
gnomAD v4.1: 3 of 1,613,938 alleles (0.00019%); highest among the groups gnomAD compares: African/African-American, 0.0027%; no homozygotes.

Submission:

Labcorp Genetics (formerly Invitae), Labcorp
Classification: Uncertain significance for Hereditary spastic paraplegia 50. Last evaluated: 2024-10-08. Review status: criteria provided, single submitter. Criteria: Invitae Variant Classification Sherloc (09022015). Collection method: clinical testing. Allele origin: germline.
Comment: This sequence change replaces glycine, which is neutral and non-polar, with arginine, which is basic and polar, at codon 359 of the AP4M1 protein (p.Gly359Arg). This variant is present in population databases (no rsID available, gnomAD 0.007%). This variant has not been reported in the literature in individuals affected with AP4M1-related conditions. ClinVar contains an entry for this variant (Variation ID: 1961850). Invitae Evidence Modeling of protein sequence and biophysical properties (such as structural, functional, and spatial information, amino acid conservation, physicochemical variation, residue mobility, and thermodynamic stability) indicates that this missense variant is not expected to disrupt AP4M1 protein function with a negative predictive value of 95%. In summary, the available evidence is currently insufficient to determine the role of this variant in disease. Therefore, it has been classified as a Variant of Uncertain Significance.